The following is an entry in ClinVar:

NM_004525.3(LRP2):c.6689C>T (p.Ser2230Leu)

Gene: LRP2 (LDL receptor related protein 2; minus strand). Cytogenetic location: 2q31.1.
Variant type: single nucleotide variant.
Coding change: c.6689C>T on transcript NM_004525.3 (MANE Select); coding-DNA position 6689, C replaced by T.
Protein change: p.Ser2230Leu; replaces serine 2230 with leucine.
Molecular consequence: missense variant.
Genome position (GRCh38, 1-based): chr2:169,207,031, G>A on the plus strand (C>T on the coding strand, the complement: LRP2 is on the minus strand). VCF-style: chr2-169207031-G-A. GRCh37 (hg19) VCF-style: chr2-170063541-G-A.
Other names: c.6689C>T (NM_004525.2); short protein forms S2230L.
Identifiers: ClinVar variation 1492438 (VCV001492438.10), dbSNP rs374860840, ClinGen allele CA1954238.

ClinVar aggregate classification (germline): Uncertain significance. Review status: criteria provided, multiple submitters, no conflicts (2 of 4 stars). 4 submissions from 4 submitters: Uncertain significance (4). Last evaluated 2025-07-24.

Conditions:
Inborn genetic diseases. Identifiers: MedGen C0950123, MeSH D030342.
Donnai-Barrow syndrome. Also called: DBS/FOAR SYNDROME; FACIOOCULOACOUSTICORENAL SYNDROME. Identifiers: Orphanet 2143, MedGen C1857277, MONDO:0009104, OMIM 222448.

Allele frequency attached by ClinVar (database versions not stated): TOPMed 0.00014; gnomAD exomes 0.00001 and 0.00002; ExAC 0.00003; ESP Exome Variant Server 0.00008; 1000 Genomes Project 0.00040; gnomAD 0.00011 and 0.00013; 1000 Genomes Project 30x 0.00047.
gnomAD v4.1: 37 of 1,614,196 alleles (0.0023%); highest among the groups gnomAD compares: African/African-American, 0.044%; no homozygotes.

Submissions (4):

GeneDx
Classification: Uncertain significance. Last evaluated: 2025-07-24. Review status: criteria provided, single submitter. Criteria: GeneDx Variant Classification Process June 2021. Collection method: clinical testing. Allele origin: germline.
Comment: In silico analysis supports that this missense variant has a deleterious effect on protein structure/function; Has not been previously published as pathogenic or benign to our knowledge

Ambry Genetics
Classification: Uncertain significance for Inborn genetic diseases. Last evaluated: 2025-02-10. Review status: criteria provided, single submitter. Criteria: Ambry Variant Classification Scheme 2023. Collection method: clinical testing. Allele origin: germline.

Labcorp Genetics (formerly Invitae), Labcorp
Classification: Uncertain significance. Last evaluated: 2024-11-21. Review status: criteria provided, single submitter. Criteria: Invitae Variant Classification Sherloc (09022015). Collection method: clinical testing. Allele origin: germline.
Comment: This sequence change replaces serine, which is neutral and polar, with leucine, which is neutral and non-polar, at codon 2230 of the LRP2 protein (p.Ser2230Leu). This variant is present in population databases (rs374860840, gnomAD 0.04%). This variant has not been reported in the literature in individuals affected with LRP2-related conditions. ClinVar contains an entry for this variant (Variation ID: 1492438). Invitae Evidence Modeling of protein sequence and biophysical properties (such as structural, functional, and spatial information, amino acid conservation, physicochemical variation, residue mobility, and thermodynamic stability) indicates that this missense variant is expected to disrupt LRP2 protein function with a positive predictive value of 95%. In summary, the available evidence is currently insufficient to determine the role of this variant in disease. Therefore, it has been classified as a Variant of Uncertain Significance.

Fulgent Genetics
Classification: Uncertain significance for Donnai-Barrow syndrome. Last evaluated: 2022-03-02. Review status: criteria provided, single submitter. Criteria: ACMG Guidelines, 2015. Collection method: clinical testing. Allele origin: unknown.